The following is an entry in ClinVar:

NM_016239.4(MYO15A):c.8329T>C (p.Phe2777Leu)

Gene: MYO15A (myosin XVA; plus strand). Cytogenetic location: 17p11.2.
Variant type: single nucleotide variant.
Coding change: c.8329T>C on transcript NM_016239.4 (MANE Select); coding-DNA position 8329, T replaced by C.
Protein change: p.Phe2777Leu; replaces phenylalanine 2777 with leucine.
Molecular consequence: missense variant.
Genome position (GRCh38, 1-based): chr17:18,155,214, T>C. VCF-style: chr17-18155214-T-C. GRCh37 (hg19) VCF-style: chr17-18058528-T-C.
Other names: short protein forms F2777L.
Identifiers: ClinVar variation 228967 (VCV000228967.4), dbSNP rs876657905, ClinGen allele CA10577026.
Genomic context (GRCh38, chr17:18,155,214, plus strand): 5'-GTGAAGCGGGCCGTGGTCAGCACTGCACGAGACACCTGGGAGGTCTACTTCTCCCGCATC[T>C]TCCCCGCCACGGTGCGAGCCCCTCACTTGCCCCCTACCTGTCCAGAGGATTCAGGGATGA-3'
Protein context (NP_057323.3, residues 2767-2787): DTWEVYFSRI[Phe2777Leu]PATGSVGTGV

ClinVar aggregate classification (germline): Uncertain significance (1 of 4 stars; one submission).

Submission:

Laboratory for Molecular Medicine, Mass General Brigham Personalized Medicine
Classification: Uncertain significance. Last evaluated: 2015-12-24. Review status: criteria provided, single submitter. Criteria: LMM Criteria. Collection method: clinical testing. Allele origin: germline. Observed: 1 variant allele.
Comment: The p.Phe2777Leu variant in MYO15A has not been previously reported in individua ls with hearing loss and was absent from large population studies. Computational prediction tools and conservation analyses suggest that this variant may impact the protein, though this information is not predictive enough to determine path ogenicity. In summary, the clinical significance of the p.Phe2777Leu variant is uncertain.